The following is an entry in ClinVar:

ClinVar aggregate classification (germline): Uncertain significance (1 of 4 stars; one submission).

Conditions:
Inborn genetic diseases. Identifiers: MedGen C0950123, MeSH D030342.

Submission:

Ambry Genetics
Classification: Uncertain significance for Inborn genetic diseases. Last evaluated: 2024-03-25. Review status: criteria provided, single submitter. Criteria: Ambry Variant Classification Scheme 2023. Collection method: clinical testing. Allele origin: germline.
Comment: The p.K966E variant (also known as c.2896A>G), located in coding exon 22 of the BUB1B gene, results from an A to G substitution at nucleotide position 2896. The lysine at codon 966 is replaced by glutamic acid, an amino acid with similar properties. This amino acid position is conserved. In addition, this alteration is predicted to be tolerated by in silico analysis. Based on the available evidence, the clinical significance of this alteration remains unclear.

NM_001211.6(BUB1B):c.2896A>G (p.Lys966Glu)

Genes: BUB1B (BUB1 mitotic checkpoint serine/threonine kinase B; plus strand), BUB1B-PAK6 (BUB1B-PAK6 readthrough; plus strand). Cytogenetic location: 15q15.1.
Variant type: single nucleotide variant.
Coding change: c.2896A>G on transcript NM_001211.6 (MANE Select); coding-DNA position 2896, A replaced by G.
Protein change: p.Lys966Glu; replaces lysine 966 with glutamic acid.
Molecular consequence: missense variant. On other transcripts: intron variant (2).
Genome position (GRCh38, 1-based): chr15:40,218,501, A>G. VCF-style: chr15-40218501-A-G. GRCh37 (hg19) VCF-style: chr15-40510702-A-G.
Other names: c.-201+834A>G (NM_001128628.3); c.-118+834A>G (NM_001128629.3); short protein forms K966E.
Identifiers: ClinVar variation 3262222 (VCV003262222.1).